The following is an entry in ClinVar:

ClinVar aggregate classification (germline): Uncertain significance (1 of 4 stars; one submission).

Submission:

GeneDx
Classification: Uncertain significance. Last evaluated: 2019-10-10. Review status: criteria provided, single submitter. Criteria: GeneDx Variant Classification Process June 2021. Collection method: clinical testing. Allele origin: germline. Affected: yes.
Comment: Not observed in large population cohorts (Lek et al., 2016); In silico analysis, which includes protein predictors and evolutionary conservation, supports a deleterious effect; Has not been previously published as pathogenic or benign to our knowledge

NM_006182.4(DDR2):c.1039A>G (p.Lys347Glu)

Gene: DDR2 (discoidin domain receptor tyrosine kinase 2; plus strand). Cytogenetic location: 1q23.3.
Variant type: single nucleotide variant.
Coding change: c.1039A>G on transcript NM_006182.4 (MANE Select); coding-DNA position 1039, A replaced by G.
Protein change: p.Lys347Glu; replaces lysine 347 with glutamic acid.
Molecular consequence: missense variant.
Genome position (GRCh38, 1-based): chr1:162,761,394, A>G. VCF-style: chr1-162761394-A-G. GRCh37 (hg19) VCF-style: chr1-162731184-A-G.
Other names: c.1039A>G, p.Lys347Glu (NM_001014796.3, NM_001354982.2, NM_001354983.2); short protein forms K347E.
Identifiers: ClinVar variation 1309078 (VCV001309078.2), dbSNP rs2102156006, ClinGen allele CA343409724.